The following is an entry in ClinVar:

NC_000023.10:g.(?_47432243)_(47436920_?)del

Gene: SYN1 (synapsin I; minus strand). Cytogenetic location: Xp11.23.
Variant type: Deletion.
Identifiers: ClinVar variation 1066824 (VCV001066824.11).

ClinVar aggregate classification (germline): Likely pathogenic (1 of 4 stars; one submission).

Conditions:
Epilepsy, X-linked 1, with variable learning disabilities and behavior disorders. Also called: X-linked epilepsy-learning disabilities-behavior disorders syndrome. Identifiers: Orphanet 85294, MedGen C5774177, MONDO:0010339, OMIM 300491.

Submission:

Labcorp Genetics (formerly Invitae), Labcorp
Classification: Likely pathogenic for Epilepsy, X-linked 1, with variable learning disabilities and behavior disorders. Last evaluated: 2020-03-23. Review status: criteria provided, single submitter. Criteria: Invitae Variant Classification Sherloc (09022015). Collection method: clinical testing. Allele origin: germline.
Comment: In summary, the currently available evidence indicates that the variant is pathogenic, but additional data are needed to prove that conclusively. Therefore, this variant has been classified as Likely Pathogenic. This variant disrupts the p.Pro664 amino acid residue in SYN1. Other variant(s) that disrupt this residue have been determined to be pathogenic (Invitae). This suggests that this residue is clinically significant, and that variants that disrupt this residue are likely to be disease-causing. This variant has not been reported in the literature in individuals with SYN1-related conditions. This variant is a gross deletion of the genomic region encompassing exons 6-13 of the SYN1 gene. The 5' boundary is likely confined to intron 5. The 3' end of this event is unknown as it extends through the termination codon beyond the assayed region for this gene and may encompass additional genes. While this deletion is not anticipated to result in nonsense mediated decay, it is expected to create a truncated protein product or disrupt mRNA translation.